The following is an entry in ClinVar:

NM_182925.5(FLT4):c.77C>T (p.Ser26Phe)

Gene: FLT4 (fms related receptor tyrosine kinase 4; minus strand). Cytogenetic location: 5q35.3.
Variant type: single nucleotide variant.
Coding change: c.77C>T on transcript NM_182925.5 (MANE Select); coding-DNA position 77, C replaced by T.
Protein change: p.Ser26Phe; replaces serine 26 with phenylalanine.
Molecular consequence: missense variant.
Genome position (GRCh38, 1-based): chr5:180,631,760, G>A on the plus strand (C>T on the coding strand, the complement: FLT4 is on the minus strand). VCF-style: chr5-180631760-G-A. GRCh37 (hg19) VCF-style: chr5-180058760-G-A.
Other names: c.77C>T, p.Ser26Phe (NM_001354989.2, NM_002020.5); short protein forms S26F.
Identifiers: ClinVar variation 3346127 (VCV003346127.1).

ClinVar aggregate classification (germline): Uncertain significance (0 of 4 stars; one submission).

Conditions:
FLT4-related disorder. Also called: FLT4-related condition.

Submission:

PreventionGenetics, part of Exact Sciences
Classification: Uncertain significance for FLT4-related condition. Last evaluated: 2024-09-08. Review status: no assertion criteria provided. Collection method: clinical testing. Allele origin: germline.
Comment: The FLT4 c.77C>T variant is predicted to result in the amino acid substitution p.Ser26Phe. To our knowledge, this variant has not been reported in the literature. This variant is not present in gnomAD, indicating that the variant is rare. A variant impacting the same amino acid (p.Ser26Ala) has been reported in an individual with congenital vascular malformations; however, the individual also had a variant in COL3A1 ( c.2035G>A; p.Ala679Thr) (Mattassi et al. 2018. PubMed ID: 28655553). At this time, the clinical significance of this variant is uncertain due to the absence of conclusive functional and genetic evidence.